The following is an entry in ClinVar:

NM_032119.4(ADGRV1):c.17763C>A (p.Cys5921Ter)

Gene: ADGRV1 (adhesion G protein-coupled receptor V1; plus strand). Cytogenetic location: 5q14.3.
Variant type: single nucleotide variant.
Coding change: c.17763C>A on transcript NM_032119.4 (MANE Select); coding-DNA position 17763, C replaced by A.
Protein change: p.Cys5921Ter; replaces cysteine 5921 with a stop codon.
Molecular consequence: nonsense. On other transcripts: non-coding transcript variant (1).
Genome position (GRCh38, 1-based): chr5:90,863,764, C>A. VCF-style: chr5-90863764-C-A. GRCh37 (hg19) VCF-style: chr5-90159581-C-A.
Other names: short protein forms C5921*.
Identifiers: ClinVar variation 2754799 (VCV002754799.3), dbSNP rs1162166308, ClinGen allele CA360431127.

ClinVar aggregate classification (germline): Pathogenic (1 of 4 stars; one submission).

Submission:

Labcorp Genetics (formerly Invitae), Labcorp
Classification: Pathogenic. Last evaluated: 2023-08-24. Review status: criteria provided, single submitter. Criteria: Invitae Variant Classification Sherloc (09022015). Collection method: clinical testing. Allele origin: germline.
Comment: Algorithms developed to predict the effect of sequence changes on RNA splicing suggest that this variant may create or strengthen a splice site. This variant has not been reported in the literature in individuals affected with ADGRV1-related conditions. This variant is not present in population databases (gnomAD no frequency). This sequence change creates a premature translational stop signal (p.Cys5921*) in the ADGRV1 gene. It is expected to result in an absent or disrupted protein product. Loss-of-function variants in ADGRV1 are known to be pathogenic (PMID: 19357117, 22135276, 22147658, 26226137, 30718709, 31047384, 32467589). For these reasons, this variant has been classified as Pathogenic.

Literature cited by the submitters: PubMed 19357117; PubMed 22135276; PubMed 22147658; PubMed 26226137; PubMed 30718709; PubMed 31047384; PubMed 32467589.